The following is an entry in ClinVar:

NM_001130004.2(ACTN1):c.2221A>G (p.Lys741Glu)

Gene: ACTN1 (actinin alpha 1; minus strand). Cytogenetic location: 14q24.1.
Variant type: single nucleotide variant.
Coding change: c.2221A>G on transcript NM_001130004.2 (MANE Select); coding-DNA position 2221, A replaced by G.
Protein change: p.Lys741Glu; replaces lysine 741 with glutamic acid.
Molecular consequence: missense variant.
Genome position (GRCh38, 1-based): chr14:68,880,021, T>C on the plus strand (A>G on the coding strand, the complement: ACTN1 is on the minus strand). VCF-style: chr14-68880021-T-C. GRCh37 (hg19) VCF-style: chr14-69346738-T-C.
Other names: c.1396A>G, p.Lys466Glu (NM_001424030.1); c.2038A>G, p.Lys680Glu (NM_001424025.1, NM_001424027.1, NM_001424029.1 and 2 more transcripts); c.2026A>G, p.Lys676Glu (NM_001424026.1, NM_001424028.1, NM_001411036.1); c.2221A>G, p.Lys741Glu (NM_001102.4, NM_001130005.2, NM_001424012.1 and 2 more transcripts); c.2245A>G, p.Lys749Glu (NM_001411035.1, NM_001424016.1); c.2347A>G, p.Lys783Glu (NM_001424013.1); c.2308A>G, p.Lys770Glu (NM_001424015.1); c.2218A>G, p.Lys740Glu (NM_001424017.1); and 3 more; short protein forms K466E, K676E, K680E, K718E, K720E, K728E, K740E, K741E.
Identifiers: ClinVar variation 4535286 (VCV004535286.6).

ClinVar aggregate classification (germline): Uncertain significance. Review status: criteria provided, multiple submitters, no conflicts (2 of 4 stars). 2 submissions from 2 submitters: Uncertain significance (2). Last evaluated 2025-11-01.

Conditions:
Platelet-type bleeding disorder 15 (BDPLT15). Also called: MACROTHROMBOCYTOPENIA, AUTOSOMAL DOMINANT, ACTN1-RELATED. Identifiers: Orphanet 140957, MedGen C3554663, MONDO:0014078, OMIM 615193.

Submissions (2):

CeGaT Center for Human Genetics Tuebingen
Classification: Uncertain significance. Last evaluated: 2025-11-01. Review status: criteria provided, single submitter. Criteria: CeGaT Center For Human Genetics Tuebingen Variant Classification Criteria Version 2. Collection method: clinical testing. Allele origin: germline. Affected: yes. Observed: 1 variant allele.
Comment: ACTN1: PM2

3billion
Classification: Uncertain significance for Platelet-type bleeding disorder 15. Last evaluated: 2025-07-03. Review status: criteria provided, single submitter. Criteria: ACMG Guidelines, 2015. Collection method: clinical testing. Allele origin: germline. Affected: yes.
Comment: The variant is not observed in the gnomAD v4.1.0 dataset. Predicted Consequence/Location: Missense variant. Missense changes are a common disease-causing mechanism. In silico tool predictions suggest damaging effect of the variant on gene or gene product [3Cnet: 0.90 (> 0.75, sensitivity 0.96 and precision 0.92)]. Therefore, this variant is classified as VUS according to the recommendation of ACMG/AMP guideline.